The following is an entry in ClinVar:

NM_001308093.3(GATA4):c.1318A>G (p.Ile440Val)

Gene: GATA4 (GATA binding protein 4). Cytogenetic location: 8p23.1.
Variant type: single nucleotide variant.
Coding change: c.1318A>G on transcript NM_001308093.3 (MANE Select); coding-DNA position 1318, A replaced by G.
Protein change: p.Ile440Val; replaces isoleucine 440 with valine.
Molecular consequence: missense variant.
Genome position (GRCh38, 1-based): chr8:11,758,461, A>G. VCF-style: chr8-11758461-A-G. GRCh37 (hg19) VCF-style: chr8-11615970-A-G.
Other names: c.1315A>G (NM_002052.3); c.697A>G, p.Ile233Val (NM_001308094.2, NM_001374273.1); c.571A>G, p.Ile191Val (NM_001374274.1); c.1315A>G, p.Ile439Val (NM_002052.5); short protein forms I191V, I233V, I439V, I440V.
Identifiers: ClinVar variation 1043414 (VCV001043414.9), dbSNP rs772619099, ClinGen allele CA4630912.

ClinVar aggregate classification (germline): Uncertain significance. Review status: criteria provided, multiple submitters, no conflicts (2 of 4 stars). 2 submissions from 2 submitters: Uncertain significance (2). Last evaluated 2026-04-21.

Conditions:
Cardiovascular phenotype. Identifiers: MedGen CN230736.
Atrioventricular septal defect 4 (AVSD4). Identifiers: MedGen C3280781, MONDO:0013747, OMIM 614430.

Allele frequency attached by ClinVar (database versions not stated): ExAC 0.00001; gnomAD exomes 0.00001.
gnomAD v4.1: 1 of 1,614,216 alleles (0.000062%); highest among the groups gnomAD compares: East Asian, 0.0022%; no homozygotes.

Submissions (2):

Ambry Genetics
Classification: Uncertain significance for Cardiovascular phenotype. Last evaluated: 2026-04-21. Review status: criteria provided, single submitter. Criteria: Ambry Variant Classification Scheme 2023. Collection method: clinical testing. Allele origin: germline.
Comment: The p.I439V variant (also known as c.1315A>G), located in coding exon 6 of the GATA4 gene, results from an A to G substitution at nucleotide position 1315. The isoleucine at codon 439 is replaced by valine, an amino acid with highly similar properties. This amino acid position is highly conserved in available vertebrate species. In addition, the in silico prediction for this alteration is inconclusive. Based on the available evidence, the clinical significance of this variant remains unclear.

Labcorp Genetics (formerly Invitae), Labcorp
Classification: Uncertain significance for Atrioventricular septal defect 4. Last evaluated: 2020-06-18. Review status: criteria provided, single submitter. Criteria: Invitae Variant Classification Sherloc (09022015). Collection method: clinical testing. Allele origin: germline.
Comment: This variant has not been reported in the literature in individuals with GATA4-related conditions. In summary, the available evidence is currently insufficient to determine the role of this variant in disease. Therefore, it has been classified as a Variant of Uncertain Significance. Algorithms developed to predict the effect of sequence changes on RNA splicing suggest that this variant may create or strengthen a splice site, but this prediction has not been confirmed by published transcriptional studies. Algorithms developed to predict the effect of missense changes on protein structure and function are either unavailable or do not agree on the potential impact of this missense change (SIFT: "Deleterious"; PolyPhen-2: "Possibly Damaging"; Align-GVGD: "Class C0"). This variant is present in population databases (rs772619099, ExAC 0.01%). This sequence change replaces isoleucine with valine at codon 439 of the GATA4 protein (p.Ile439Val). The isoleucine residue is moderately conserved and there is a small physicochemical difference between isoleucine and valine.